The following is an entry in ClinVar:

ClinVar aggregate classification (germline): Likely benign (1 of 4 stars; one submission).

Submission:

GeneDx
Classification: Likely benign. Last evaluated: 2016-10-27. Review status: criteria provided, single submitter. Criteria: GeneDx Variant Classification (06012015). Collection method: clinical testing. Allele origin: germline. Affected: yes.
Comment: This variant is considered likely benign or benign based on one or more of the following criteria: it is a conservative change, it occurs at a poorly conserved position in the protein, it is predicted to be benign by multiple in silico algorithms, and/or has population frequency not consistent with disease.

NM_032578.4(MYPN):c.2703+20_2703+22del

Gene: MYPN (myopalladin; plus strand). Cytogenetic location: 10q21.3.
Variant type: Deletion.
Coding change: c.2703+20_2703+22del on transcript NM_032578.4 (MANE Select); bases 20 to 22 of the intron after coding-DNA position 2703, 3 bases deleted (AAG; older notation c.2703+20_2703+22delAAG).
Molecular consequence: intron variant.
Genome position (GRCh38, 1-based): chr10:68,175,481-68,175,483, AAG deleted; deleting any 3 consecutive bases within chr10:68,175,479-68,175,483 gives the same sequence; the c. name uses the placement nearest the transcript's 3' end. VCF-style (leftmost placement, unchanged base first): chr10-68175478-TAGA-T. GRCh37 (hg19) VCF-style: chr10-69935235-TAGA-T.
Other names: c.2703+20_2703+22del (NM_001256267.2); c.1821+20_1821+22del (NM_001256268.2); c.2703+20_2703+22delAAG (NM_032578.3).
Identifiers: ClinVar variation 422657 (VCV000422657.1), dbSNP rs1064795919, ClinGen allele CA16618966.
Genomic context (GRCh38, chr10:68,175,478, plus strand): 5'-TGGGGAAAAAAATAACTTTCAGTGATGTCAGACCAAACCAGCAGGTAAGATTGTTGGATT[TAGA>T]AGGTTTATTGAAATTTTATTGTAAGGAATTTAATTTTGCTTGATTCAGTCCTCGGATACT-3'